The following is an entry in ClinVar:

ClinVar aggregate classification (germline): Uncertain significance (1 of 4 stars; one submission).

Conditions:
Methylcobalamin deficiency type cblE (HMAE). Also called: HOMOCYSTINURIA-MEGALOBLASTIC ANEMIA, cblE TYPE; VITAMIN B12-RESPONSIVE HOMOCYSTINURIA, cblE TYPE; HOMOCYSTINURIA-MEGALOBLASTIC ANEMIA, cblE COMPLEMENTATION TYPE. Identifiers: Orphanet 2169, Orphanet 622, MedGen C1856057, MONDO:0009354, OMIM 236270.

Allele frequency attached by ClinVar (database versions not stated): gnomAD exomes below 0.00001; TOPMed below 0.00001; gnomAD 0.00001.
gnomAD v4.1: 5 of 1,614,064 alleles (0.00031%); highest among the groups gnomAD compares: Non-Finnish European, 0.00042%; no homozygotes.

Submission:

Labcorp Genetics (formerly Invitae), Labcorp
Classification: Uncertain significance for Methylcobalamin deficiency type cblE. Last evaluated: 2021-08-20. Review status: criteria provided, single submitter. Criteria: Invitae Variant Classification Sherloc (09022015). Collection method: clinical testing. Allele origin: germline.
Comment: This sequence change replaces lysine with glutamic acid at codon 43 of the MTRR protein (p.Lys43Glu). The lysine residue is highly conserved and there is a small physicochemical difference between lysine and glutamic acid. This variant is not present in population databases (ExAC no frequency). This variant has not been reported in the literature in individuals affected with MTRR-related conditions. Algorithms developed to predict the effect of missense changes on protein structure and function are either unavailable or do not agree on the potential impact of this missense change (SIFT: "Deleterious"; PolyPhen-2: "Possibly Damaging"; Align-GVGD: "Class C0"). In summary, the available evidence is currently insufficient to determine the role of this variant in disease. Therefore, it has been classified as a Variant of Uncertain Significance.

NM_002454.3(MTRR):c.127A>G (p.Lys43Glu)

Gene: MTRR (5-methyltetrahydrofolate-homocysteine methyltransferase reductase; plus strand). Cytogenetic location: 5p15.31.
Variant type: single nucleotide variant.
Coding change: c.127A>G on transcript NM_002454.3 (MANE Select); coding-DNA position 127, A replaced by G.
Protein change: p.Lys43Glu; replaces lysine 43 with glutamic acid.
Molecular consequence: missense variant. On other transcripts: non-coding transcript variant (14).
Genome position (GRCh38, 1-based): chr5:7,870,921, A>G. VCF-style: chr5-7870921-A-G. GRCh37 (hg19) VCF-style: chr5-7871034-A-G.
Other names: c.127A>G, p.Lys43Glu (NM_001364440.2, NM_001364441.2, NM_001364442.2 and 1 more transcripts); short protein forms K43E.
Identifiers: ClinVar variation 1445082 (VCV001445082.5), dbSNP rs937595017, ClinGen allele CA113793559.